The following is an entry in ClinVar:

NM_017763.6(RNF43):c.1088G>A (p.Arg363Gln)

Gene: RNF43 (ring finger protein 43; minus strand). Cytogenetic location: 17q22.
Variant type: single nucleotide variant.
Coding change: c.1088G>A on transcript NM_017763.6 (MANE Select); coding-DNA position 1088, G replaced by A.
Protein change: p.Arg363Gln; replaces arginine 363 with glutamine.
Molecular consequence: missense variant.
Genome position (GRCh38, 1-based): chr17:58,358,688, C>T on the plus strand (G>A on the coding strand, the complement: RNF43 is on the minus strand). VCF-style: chr17-58358688-C-T. GRCh37 (hg19) VCF-style: chr17-56436049-C-T.
Other names: c.1088G>A, p.Arg363Gln (NM_001305544.3); c.707G>A, p.Arg236Gln (NM_001305545.2); short protein forms R236Q, R363Q.
Identifiers: ClinVar variation 1008243 (VCV001008243.10), dbSNP rs376002987, ClinGen allele CA8673236.

ClinVar aggregate classification (germline): Conflicting classifications of pathogenicity. Review status: criteria provided, conflicting classifications (1 of 4 stars). 4 submissions from 4 submitters: Uncertain significance (3); Likely benign (1). Last evaluated 2025-05-14.

Conditions:
Sessile serrated polyposis cancer syndrome (SSPCS). Identifiers: Orphanet 157798, MedGen C4310714, MONDO:0014919, OMIM 617108.

Allele frequency attached by ClinVar (database versions not stated): gnomAD exomes 0.00006; TOPMed 0.00006; gnomAD 0.00008; ExAC 0.00013; ESP Exome Variant Server 0.00015.

Submissions (4):

Ambry Genetics
Classification: Likely benign. Last evaluated: 2025-05-14. Review status: criteria provided, single submitter. Criteria: Ambry Variant Classification Scheme 2023. Collection method: clinical testing. Allele origin: germline.

GeneDx
Classification: Uncertain significance. Last evaluated: 2025-01-27. Review status: criteria provided, single submitter. Criteria: GeneDx Variant Classification Process June 2021. Collection method: clinical testing. Allele origin: germline. Affected: yes.
Comment: In silico analysis indicates that this missense variant does not alter protein structure/function; Has not been previously published as pathogenic or benign to our knowledge; This variant is associated with the following publications: (PMID: 33057194, 35982159)

Labcorp Genetics (formerly Invitae), Labcorp
Classification: Uncertain significance. Last evaluated: 2025-01-01. Review status: criteria provided, single submitter. Criteria: Invitae Variant Classification Sherloc (09022015). Collection method: clinical testing. Allele origin: germline.
Comment: This sequence change replaces arginine, which is basic and polar, with glutamine, which is neutral and polar, at codon 363 of the RNF43 protein (p.Arg363Gln). This variant is present in population databases (rs376002987, gnomAD 0.01%). This variant has not been reported in the literature in individuals affected with RNF43-related conditions. ClinVar contains an entry for this variant (Variation ID: 1008243). An algorithm developed to predict the effect of missense changes on protein structure and function outputs the following: PolyPhen-2: "Benign". The glutamine amino acid residue is found in multiple mammalian species, which suggests that this missense change does not adversely affect protein function. In summary, the available evidence is currently insufficient to determine the role of this variant in disease. Therefore, it has been classified as a Variant of Uncertain Significance.

Fulgent Genetics
Classification: Uncertain significance for Sessile serrated polyposis cancer syndrome. Last evaluated: 2024-06-19. Review status: criteria provided, single submitter. Criteria: ACMG Guidelines, 2015. Collection method: clinical testing. Allele origin: germline.